The following is an entry in ClinVar:

NM_177550.5(SLC13A5):c.1059_1062delinsA (p.Tyr353_Val354delinsTer)

Gene: SLC13A5 (solute carrier family 13 member 5; minus strand). Cytogenetic location: 17p13.1.
Variant type: Indel.
Coding change: c.1059_1062delinsA on transcript NM_177550.5 (MANE Select); coding-DNA positions 1059 to 1062, TGTC replaced by A.
Protein change: p.Tyr353_Val354delinsTer.
Molecular consequence: nonsense.
Genome position (GRCh38, 1-based): chr17:6,694,191-6,694,194, GACA replaced by T on the plus strand (TGTC replaced by A on the coding strand, the reverse complement: SLC13A5 is on the minus strand). VCF-style: chr17-6694191-GACA-T. GRCh37 (hg19) VCF-style: chr17-6597510-GACA-T.
Other names: c.1059_1062delinsA, p.Tyr353_Val354delinsTer (NM_001143838.3); c.1008_1011delinsA, p.Tyr336_Val337delinsTer (NM_001284509.2); c.930_933delinsA, p.Tyr310_Val311delinsTer (NM_001284510.2).
Identifiers: ClinVar variation 4086263 (VCV004086263.1).

ClinVar aggregate classification (germline): Likely pathogenic (1 of 4 stars; one submission).

Conditions:
Developmental and epileptic encephalopathy, 25 (DEE25). Also called: Epileptic encephalopathy, early infantile, 25; Developmental and epileptic encephalopathy 25, with amelogenesis imperfecta; Epileptic encephalopathy, early infantile, 25, with amelogenesis imperfecta. Identifiers: Orphanet 442835, MedGen C4014621, MONDO:0014392, OMIM 615905.

Submission:

Department of Neonatology, Wuhan Women and Children Medical Care Center, Tongji Medical College, Huazhong University of Science and Technology
Classification: Likely pathogenic for Developmental and epileptic encephalopathy, 25. Last evaluated: 2024-11-15. Review status: criteria provided, single submitter. Criteria: ACMG Guidelines, 2015. Collection method: research. Allele origin: biparental. Inheritance: Autosomal recessive inheritance. Affected: yes. Observed: 1 compound heterozygote.
Comment: The c.1059_1062delinsA(p.Tyr353_Val354delinsTer) heterozygous variant in the SLC13A5 gene is classified as a variant of likely pathogenic according to the ACMG guidelines. Both variants are linked to autosomal recessive inheritance.